The following is an entry in ClinVar:

ClinVar aggregate classification (germline): Conflicting classifications of pathogenicity. Review status: criteria provided, conflicting classifications (1 of 4 stars). 3 submissions from 3 submitters: Likely pathogenic (2); Uncertain significance (1). Last evaluated 2025-10-29.

Conditions:
RDH5-related disorder. Also called: RDH5-related condition.

Allele frequency attached by ClinVar (database versions not stated): TOPMed below 0.00001; gnomAD exomes 0.00001.
gnomAD v4.1: 11 of 1,613,946 alleles (0.00068%); highest among the groups gnomAD compares: East Asian, 0.0022%; no homozygotes.

Submissions (3):

Labcorp Genetics (formerly Invitae), Labcorp
Classification: Likely pathogenic. Last evaluated: 2025-10-29. Review status: criteria provided, single submitter. Criteria: Invitae Variant Classification Sherloc (09022015). Collection method: clinical testing. Allele origin: germline.
Comment: This sequence change replaces arginine, which is basic and polar, with cysteine, which is neutral and slightly polar, at codon 42 of the RDH5 protein (p.Arg42Cys). This variant is present in population databases (no rsID available, gnomAD 0.006%). This missense change has been observed in individuals with fundus albipunctatus (PMID: 15790919, 27627638, 35250012). ClinVar contains an entry for this variant (Variation ID: 2627369). Invitae Evidence Modeling of protein sequence and biophysical properties (such as structural, functional, and spatial information, amino acid conservation, physicochemical variation, residue mobility, and thermodynamic stability) has been performed for this missense variant. However, the output from this modeling did not meet the statistical confidence thresholds required to predict the impact of this variant on RDH5 protein function. Algorithms developed to predict the effect of sequence changes on RNA splicing suggest that this variant may create or strengthen a splice site. In summary, the currently available evidence indicates that the variant is pathogenic, but additional data are needed to prove that conclusively. Therefore, this variant has been classified as Likely Pathogenic.

Women's Health and Genetics/Laboratory Corporation of America, LabCorp
Classification: Uncertain significance. Last evaluated: 2023-09-05. Review status: criteria provided, single submitter. Criteria: LabCorp Variant Classification Summary - May 2015. Collection method: clinical testing. Allele origin: germline.
Comment: Variant summary: RDH5 c.124C>T (p.Arg42Cys) results in a non-conservative amino acid change in the encoded protein sequence. Five of five in-silico tools predict a damaging effect of the variant on protein function. The variant allele was found at a frequency of 8e-06 in 250852 control chromosomes (gnomAD). c.124C>T has been reported in the literature as a compound heterozygous genotype in at least three individuals affected with fundus albipunctatus (e.g. Niwa_2005, Kuehlewein_2017, Newman_2022). These data indicate that the variant may be associated with disease. To our knowledge, no experimental evidence demonstrating an impact on protein function has been reported. The following publications have been ascertained in the context of this evaluation (PMID: 15790919, 27627638, 35250012). No submitters have cited clinical-significance assessments for this variant to ClinVar after 2014. Based on the evidence outlined above, the variant was classified as VUS-possibly pathogenic.

Blueprint Genetics
Classification: Likely pathogenic for RDH5-related disorders. Last evaluated: 2022-08-09. Review status: criteria provided, single submitter. Criteria: ACMG Guidelines, 2015. Collection method: clinical testing. Allele origin: germline. Affected: yes. Observed: 2 variant alleles.

Literature cited by the submitters: PubMed 15790919 (cited by Labcorp Genetics (formerly Invitae), Labcorp and Women's Health and Genetics/Laboratory Corporation of America, LabCorp); PubMed 27627638 (cited by Labcorp Genetics (formerly Invitae), Labcorp and Women's Health and Genetics/Laboratory Corporation of America, LabCorp); PubMed 35250012 (cited by Labcorp Genetics (formerly Invitae), Labcorp and Women's Health and Genetics/Laboratory Corporation of America, LabCorp).

NM_002905.5(RDH5):c.124C>T (p.Arg42Cys)

Genes: BLOC1S1-RDH5 (BLOC1S1-RDH5 readthrough; plus strand), RDH5 (retinol dehydrogenase 5; plus strand). Cytogenetic location: 12q13.2.
Variant type: single nucleotide variant.
Coding change: c.124C>T on transcript NM_002905.5 (MANE Select); coding-DNA position 124, C replaced by T.
Protein change: p.Arg42Cys; replaces arginine 42 with cysteine.
Molecular consequence: missense variant.
Genome position (GRCh38, 1-based): chr12:55,721,308, C>T. VCF-style: chr12-55721308-C-T. GRCh37 (hg19) VCF-style: chr12-56115092-C-T.
Other names: c.124C>T, p.Arg42Cys (NM_001199771.3); short protein forms R42C.
Identifiers: ClinVar variation 2627369 (VCV002627369.3), dbSNP rs1404823974, ClinGen allele CA385199654.